The following is an entry in ClinVar:

ClinVar aggregate classification (germline): Uncertain significance (1 of 4 stars; one submission).

Conditions:
Hereditary spastic paraplegia 4. Also called: Spastic paraplegia 4, autosomal dominant; Familial spastic paraplegia autosomal dominant 2; Spastic Paraplegia 4. Identifiers: Orphanet 100985, MedGen C1866855, MONDO:0008438, OMIM 182601.

Allele frequency attached by ClinVar (database versions not stated): TOPMed below 0.00001; gnomAD 0.00001.
gnomAD v4.1: 4 of 1,583,862 alleles (0.00025%); highest among the groups gnomAD compares: Non-Finnish European, 0.00026%; no homozygotes.

Submission:

Labcorp Genetics (formerly Invitae), Labcorp
Classification: Uncertain significance for Hereditary spastic paraplegia 4. Last evaluated: 2022-12-16. Review status: criteria provided, single submitter. Criteria: Invitae Variant Classification Sherloc (09022015). Collection method: clinical testing. Allele origin: germline.
Comment: In summary, the available evidence is currently insufficient to determine the role of this variant in disease. Therefore, it has been classified as a Variant of Uncertain Significance. Advanced modeling of protein sequence and biophysical properties (such as structural, functional, and spatial information, amino acid conservation, physicochemical variation, residue mobility, and thermodynamic stability) performed at Invitae indicates that this missense variant is not expected to disrupt SPAST protein function. This variant has not been reported in the literature in individuals affected with SPAST-related conditions. This variant is present in population databases (rs769360391, gnomAD 0.001%). This sequence change replaces proline, which is neutral and non-polar, with serine, which is neutral and polar, at codon 99 of the SPAST protein (p.Pro99Ser).

NM_014946.4(SPAST):c.295C>T (p.Pro99Ser)

Gene: SPAST (spastin; plus strand). Cytogenetic location: 2p22.3.
Variant type: single nucleotide variant.
Coding change: c.295C>T on transcript NM_014946.4 (MANE Select); coding-DNA position 295, C replaced by T.
Protein change: p.Pro99Ser; replaces proline 99 with serine.
Molecular consequence: missense variant.
Genome position (GRCh38, 1-based): chr2:32,064,126, C>T. VCF-style: chr2-32064126-C-T. GRCh37 (hg19) VCF-style: chr2-32289195-C-T.
Other names: c.295C>T, p.Pro99Ser (NM_001363823.2, NM_001363875.2, NM_001377959.1 and 1 more transcripts); short protein forms P99S.
Identifiers: ClinVar variation 2904822 (VCV002904822.3), dbSNP rs769360391, ClinGen allele CA1600541.
Genomic context (GRCh38, chr2:32,064,126, plus strand): 5'-TGCCAGCGCTTCTCCCGCGCCCTCATGGCAGCCAAGAGGAGCTCCGGGGCCGCGCCAGCA[C>T]CTGCCTCGGCCTCGGCCCCGGCGCCGGTGCCGGGCGGCGAGGCCGAGCGCGTCCGAGTCT-3'
Protein context (NP_055761.2, residues 89-109): AKRSSGAAPA[Pro99Ser]ASASAPAPVP